The following is an entry in ClinVar:

NM_001605.3(AARS1):c.1071+5G>T

Gene: AARS1 (alanyl-tRNA synthetase 1; minus strand). Cytogenetic location: 16q22.1.
Variant type: single nucleotide variant.
Coding change: c.1071+5G>T on transcript NM_001605.3 (MANE Select); 5 bases into the intron after coding-DNA position 1071, G replaced by T.
Molecular consequence: intron variant.
Genome position (GRCh38, 1-based): chr16:70,268,266, C>A on the plus strand (G>T on the coding strand, the complement: AARS1 is on the minus strand). VCF-style: chr16-70268266-C-A. GRCh37 (hg19) VCF-style: chr16-70302169-C-A.
Identifiers: ClinVar variation 2875744 (VCV002875744.3), dbSNP rs1433326466, ClinGen allele CA723291242.

ClinVar aggregate classification (germline): Uncertain significance (1 of 4 stars; one submission).

Conditions:
Charcot-Marie-Tooth disease type 2. Also called: Charcot-Marie-Tooth type 2. Identifiers: Orphanet 64746, MedGen C0270914, MONDO:0018993.

Allele frequency attached by ClinVar (database versions not stated): TOPMed 0.00002.
gnomAD v4.1: 2 of 1,613,658 alleles (0.00012%); highest among the groups gnomAD compares: Non-Finnish European, 0.00017%; no homozygotes.

Submission:

Labcorp Genetics (formerly Invitae), Labcorp
Classification: Uncertain significance for Charcot-Marie-Tooth disease type 2. Last evaluated: 2023-11-27. Review status: criteria provided, single submitter. Criteria: Invitae Variant Classification Sherloc (09022015). Collection method: clinical testing. Allele origin: germline.
Comment: This sequence change falls in intron 8 of the AARS gene. It does not directly change the encoded amino acid sequence of the AARS protein. It affects a nucleotide within the consensus splice site. This variant is not present in population databases (gnomAD no frequency). This variant has not been reported in the literature in individuals affected with AARS-related conditions. Variants that disrupt the consensus splice site are a relatively common cause of aberrant splicing (PMID: 17576681, 9536098). Algorithms developed to predict the effect of sequence changes on RNA splicing suggest that this variant may disrupt the consensus splice site. In summary, the available evidence is currently insufficient to determine the role of this variant in disease. Therefore, it has been classified as a Variant of Uncertain Significance.

Literature cited by the submitters: PubMed 17576681; PubMed 9536098.